The following is an entry in ClinVar:

NM_007227.3(GPR45):c.145T>C (p.Phe49Leu)

Gene: GPR45 (G protein-coupled receptor 45; plus strand). Cytogenetic location: 2q12.1.
Variant type: single nucleotide variant.
Coding change: c.145T>C on transcript NM_007227.3 (MANE Select); coding-DNA position 145, T replaced by C.
Protein change: p.Phe49Leu; replaces phenylalanine 49 with leucine.
Molecular consequence: missense variant.
Genome position (GRCh38, 1-based): chr2:105,242,003, T>C. VCF-style: chr2-105242003-T-C. GRCh37 (hg19) VCF-style: chr2-105858460-T-C.
Other names: short protein forms F49L.
Identifiers: ClinVar variation 1495948 (VCV001495948.6), dbSNP rs773914555, ClinGen allele CA1813526.
Genomic context (GRCh38, chr2:105,242,003, plus strand): 5'-TTGCCCGCACCCCTCAGGATCTCCTTGGCCATAGTGATGCTGCTGATGACCGTGGTGGGG[T>C]TCCTGGGCAACACTGTGGTCTGCATCATCGTGTACCAGAGGCCGGCTATGCGCTCGGCCA-3'
Protein context (NP_009158.3, residues 39-59): IVMLLMTVVG[Phe49Leu]LGNTVVCIIV

ClinVar aggregate classification (germline): Uncertain significance (1 of 4 stars; one submission).

Allele frequency attached by ClinVar (database versions not stated): gnomAD exomes below 0.00001; ExAC 0.00001; TOPMed 0.00001.

Submission:

Labcorp Genetics (formerly Invitae), Labcorp
Classification: Uncertain significance. Last evaluated: 2025-12-03. Review status: criteria provided, single submitter. Criteria: Invitae Variant Classification Sherloc (09022015). Collection method: clinical testing. Allele origin: germline.
Comment: This sequence change replaces phenylalanine, which is neutral and non-polar, with leucine, which is neutral and non-polar, at codon 49 of the GPR45 protein (p.Phe49Leu). This variant is present in population databases (rs773914555, gnomAD 0.002%). This variant has not been reported in the literature in individuals affected with GPR45-related conditions. ClinVar contains an entry for this variant (Variation ID: 1495948). An algorithm developed to predict the effect of missense changes on protein structure and function outputs the following: PolyPhen-2: "Benign". The leucine amino acid residue is found in multiple mammalian species, which suggests that this missense change does not adversely affect protein function. In summary, the available evidence is currently insufficient to determine the role of this variant in disease. Therefore, it has been classified as a Variant of Uncertain Significance.